The following is an entry in ClinVar:

ClinVar aggregate classification (germline): Conflicting classifications of pathogenicity. Review status: criteria provided, conflicting classifications (1 of 4 stars). 2 submissions from 2 submitters: Uncertain significance (1); Likely benign (1). Last evaluated 2025-07-25.

Conditions:
Cardiovascular phenotype. Identifiers: MedGen CN230736.

Allele frequency attached by ClinVar (database versions not stated): gnomAD exomes 0.00002 and 0.00004; ExAC 0.00003; gnomAD 0.00003 and 0.00004; TOPMed 0.00003.
gnomAD v4.1: 57 of 1,609,510 alleles (0.0035%); highest among the groups gnomAD compares: Non-Finnish European, 0.0042%; no homozygotes.

Submissions (2):

Ambry Genetics
Classification: Likely benign for Cardiovascular phenotype. Last evaluated: 2025-07-25. Review status: criteria provided, single submitter. Criteria: Ambry Variant Classification Scheme 2023. Collection method: clinical testing. Allele origin: germline.

GeneDx
Classification: Uncertain significance. Last evaluated: 2023-06-14. Review status: criteria provided, single submitter. Criteria: GeneDx Variant Classification Process June 2021. Collection method: clinical testing. Allele origin: germline. Affected: yes.
Comment: Has not been previously published as pathogenic or benign to our knowledge; In silico analysis supports that this missense variant does not alter protein structure/function

NM_001365276.2(TNXB):c.7813G>A (p.Val2605Met)

Gene: TNXB (tenascin XB; minus strand). Cytogenetic location: 6p21.33.
Variant type: single nucleotide variant.
Coding change: c.7813G>A on transcript NM_001365276.2 (MANE Select); coding-DNA position 7813, G replaced by A.
Protein change: p.Val2605Met; replaces valine 2605 with methionine.
Molecular consequence: missense variant.
Genome position (GRCh38, 1-based): chr6:32,058,070, C>T on the plus strand (G>A on the coding strand, the complement: TNXB is on the minus strand). VCF-style: chr6-32058070-C-T. GRCh37 (hg19) VCF-style: chr6-32025847-C-T.
Other names: c.7813G>A, p.Val2605Met (NM_019105.8); short protein forms V2605M.
Identifiers: ClinVar variation 1306827 (VCV001306827.7), dbSNP rs746237539, ClinGen allele CA3734046.